The following is an entry in ClinVar:

ClinVar aggregate classification (germline): Uncertain significance (1 of 4 stars; one submission).

Conditions:
WDPCP-related disorder. Also called: WDPCP-related condition.

gnomAD v4.1: 13 of 1,574,538 alleles (0.00083%); highest among the groups gnomAD compares: Non-Finnish European, 0.0011%; no homozygotes.

Submission:

PreventionGenetics, part of Exact Sciences
Classification: Uncertain significance for WDPCP-related condition. Last evaluated: 2026-04-11. Review status: criteria provided, single submitter. Criteria: ACMG Guidelines, 2015. Collection method: clinical testing. Allele origin: germline.
Comment: The WDPCP c.11A>T variant is predicted to result in the amino acid substitution p.Glu4Val. To our knowledge, this variant has not been reported in the literature or in a large population database (gnomAD), indicating this variant is rare. At this time, the clinical significance of this variant is uncertain due to the absence of conclusive functional and genetic evidence.

NM_015910.7(WDPCP):c.11A>T (p.Glu4Val)

Gene: WDPCP (WD repeat containing planar cell polarity effector; minus strand). Cytogenetic location: 2p15.
Variant type: single nucleotide variant.
Coding change: c.11A>T on transcript NM_015910.7 (MANE Select); coding-DNA position 11, A replaced by T.
Protein change: p.Glu4Val; replaces glutamic acid 4 with valine.
Molecular consequence: missense variant. On other transcripts: 5 prime UTR variant (1), non-coding transcript variant (2).
Genome position (GRCh38, 1-based): chr2:63,588,261, T>A on the plus strand (A>T on the coding strand, the complement: WDPCP is on the minus strand). VCF-style: chr2-63588261-T-A. GRCh37 (hg19) VCF-style: chr2-63815395-T-A.
Other names: c.-314A>T (NM_001354044.2); c.11A>T, p.Glu4Val (NM_001354045.2); short protein forms E4V.
Identifiers: ClinVar variation 4992798 (VCV004992798.1).